The following is an entry in ClinVar:

ClinVar aggregate classification (germline): Uncertain significance (1 of 4 stars; one submission).

Allele frequency attached by ClinVar (database versions not stated): gnomAD exomes 0.00001.

Submission:

Labcorp Genetics (formerly Invitae), Labcorp
Classification: Uncertain significance. Last evaluated: 2022-07-11. Review status: criteria provided, single submitter. Criteria: Invitae Variant Classification Sherloc (09022015). Collection method: clinical testing. Allele origin: germline.
Comment: In summary, the available evidence is currently insufficient to determine the role of this variant in disease. Therefore, it has been classified as a Variant of Uncertain Significance. This sequence change replaces asparagine, which is neutral and polar, with serine, which is neutral and polar, at codon 59 of the FZD4 protein (p.Asn59Ser). This variant is not present in population databases (gnomAD no frequency). This variant has not been reported in the literature in individuals affected with FZD4-related conditions. Algorithms developed to predict the effect of missense changes on protein structure and function (SIFT, PolyPhen-2, Align-GVGD) all suggest that this variant is likely to be disruptive.

NM_012193.4(FZD4):c.176A>G (p.Asn59Ser)

Gene: FZD4 (frizzled class receptor 4; minus strand). Cytogenetic location: 11q14.2.
Variant type: single nucleotide variant.
Coding change: c.176A>G on transcript NM_012193.4 (MANE Select); coding-DNA position 176, A replaced by G.
Protein change: p.Asn59Ser; replaces asparagine 59 with serine.
Molecular consequence: missense variant.
Genome position (GRCh38, 1-based): chr11:86,954,910, T>C on the plus strand (A>G on the coding strand, the complement: FZD4 is on the minus strand). VCF-style: chr11-86954910-T-C. GRCh37 (hg19) VCF-style: chr11-86665952-T-C.
Other names: short protein forms N59S.
Identifiers: ClinVar variation 1907143 (VCV001907143.5), dbSNP rs1184274322, ClinGen allele CA382018348.